The following is an entry in ClinVar:

ClinVar aggregate classification (germline): not provided (0 of 4 stars; one submission).

Conditions:
Familial long QT syndrome (RWS). Also called: Congenital long QT syndrome; Romano-Ward syndrome; VENTRICULAR FIBRILLATION WITH PROLONGED QT INTERVAL. Identifiers: Orphanet 768, MedGen C1141890, MONDO:0019171.

Submission:

Cardiovascular Biomedical Research Unit, Royal Brompton & Harefield NHS Foundation Trust
No classification provided. Condition: Familial long QT syndrome. Review status: no classification provided. Collection method: literature only. Allele origin: germline.
Comment: This variant has been reported as associated with Long QT syndrome in the following publications (PMID:20541041). This is a literature report, and does not necessarily reflect the clinical interpretation of the Imperial College / Royal Brompton Cardiovascular Genetics laboratory.

Literature cited by the submitters: PubMed 20541041; PubMed 22581653.

NM_000218.3(KCNQ1):c.949G>T (p.Asp317Tyr)

Gene: KCNQ1 (potassium voltage-gated channel subfamily Q member 1; plus strand). Cytogenetic location: 11p15.5.
Variant type: single nucleotide variant.
Coding change: c.949G>T on transcript NM_000218.3 (MANE Select); coding-DNA position 949, G replaced by T.
Protein change: p.Asp317Tyr; replaces aspartic acid 317 with tyrosine.
Molecular consequence: missense variant.
Genome position (GRCh38, 1-based): chr11:2,583,462, G>T. VCF-style: chr11-2583462-G-T. GRCh37 (hg19) VCF-style: chr11-2604692-G-T.
Other names: c.949G>T (LRG_287t1); c.949G>T, p.Asp317Tyr (NM_001406836.1); c.679G>T, p.Asp227Tyr (NM_001406837.1); c.505G>T, p.Asp169Tyr (NM_001406838.1); c.568G>T, p.Asp190Tyr (NM_181798.2); short protein forms D317Y, D190Y, D227Y, D169Y.
Identifiers: ClinVar variation 67128 (VCV000067128.3), dbSNP rs199472751, ClinGen allele CA008878.